The following is an entry in ClinVar:

NM_006016.6(CD164):c.400A>G (p.Thr134Ala)

Gene: CD164 (CD164 molecule; minus strand). Cytogenetic location: 6q21.
Variant type: single nucleotide variant.
Coding change: c.400A>G on transcript NM_006016.6 (MANE Select); coding-DNA position 400, A replaced by G.
Protein change: p.Thr134Ala; replaces threonine 134 with alanine.
Molecular consequence: missense variant. On other transcripts: intron variant (1).
Genome position (GRCh38, 1-based): chr6:109,370,438, T>C on the plus strand (A>G on the coding strand, the complement: CD164 is on the minus strand). VCF-style: chr6-109370438-T-C. GRCh37 (hg19) VCF-style: chr6-109691641-T-C.
Other names: c.361A>G, p.Thr121Ala (NM_001142401.3); c.400A>G, p.Thr134Ala (NM_001142403.3, NM_001142404.3); c.298A>G, p.Thr100Ala (NM_001346500.2); c.371-1421A>G (NM_001142402.3); short protein forms T121A, T100A, T134A.
Identifiers: ClinVar variation 2218974 (VCV002218974.6), dbSNP rs148700319, ClinGen allele CA3951548.

ClinVar aggregate classification (germline): Uncertain significance. Review status: criteria provided, multiple submitters, no conflicts (2 of 4 stars). 3 submissions from 3 submitters: Uncertain significance (3). Last evaluated 2025-09-23.

Allele frequency attached by ClinVar (database versions not stated): ExAC 0.00002; gnomAD exomes 0.00003; ESP Exome Variant Server 0.00008; gnomAD 0.00003; TOPMed 0.00002.
gnomAD v4.1: 50 of 1,613,208 alleles (0.0031%); highest among the groups gnomAD compares: Non-Finnish European, 0.0041%; no homozygotes.

Submissions (3):

GeneDx
Classification: Uncertain significance. Last evaluated: 2025-09-23. Review status: criteria provided, single submitter. Criteria: GeneDx Variant Classification Process June 2021. Collection method: clinical testing. Allele origin: germline.
Comment: Has not been previously published as pathogenic or benign to our knowledge; Not observed at significant frequency in large population cohorts (gnomAD); In silico analysis suggests that this missense variant does not alter protein structure/function; Variants in candidate genes are classified as variants of uncertain significance in accordance with ACMG guidelines (PMID: 25741868)

Labcorp Genetics (formerly Invitae), Labcorp
Classification: Uncertain significance. Last evaluated: 2023-10-06. Review status: criteria provided, single submitter. Criteria: Invitae Variant Classification Sherloc (09022015). Collection method: clinical testing. Allele origin: germline.
Comment: This sequence change replaces threonine, which is neutral and polar, with alanine, which is neutral and non-polar, at codon 134 of the CD164 protein (p.Thr134Ala). This variant is present in population databases (rs148700319, gnomAD 0.002%). This variant has not been reported in the literature in individuals affected with CD164-related conditions. ClinVar contains an entry for this variant (Variation ID: 2218974). An algorithm developed to predict the effect of missense changes on protein structure and function (PolyPhen-2) suggests that this variant is likely to be disruptive. In summary, the available evidence is currently insufficient to determine the role of this variant in disease. Therefore, it has been classified as a Variant of Uncertain Significance.

Ambry Genetics
Classification: Uncertain significance. Last evaluated: 2022-05-18. Review status: criteria provided, single submitter. Criteria: Ambry Variant Classification Scheme 2023. Collection method: clinical testing. Allele origin: germline.